The following is an entry in ClinVar:

NM_152309.3(PIK3AP1):c.748T>G (p.Ser250Ala)

Gene: PIK3AP1 (phosphoinositide-3-kinase adaptor protein 1; minus strand). Cytogenetic location: 10q24.1.
Variant type: single nucleotide variant.
Coding change: c.748T>G on transcript NM_152309.3 (MANE Select); coding-DNA position 748, T replaced by G.
Protein change: p.Ser250Ala; replaces serine 250 with alanine.
Molecular consequence: missense variant.
Genome position (GRCh38, 1-based): chr10:96,651,616, A>C on the plus strand (T>G on the coding strand, the complement: PIK3AP1 is on the minus strand). VCF-style: chr10-96651616-A-C. GRCh37 (hg19) VCF-style: chr10-98411373-A-C.
Other names: c.748T>G (NM_152309.2); short protein forms S250A.
Identifiers: ClinVar variation 2198546 (VCV002198546.5), dbSNP rs776605514, ClinGen allele CA5626457.

ClinVar aggregate classification (germline): Uncertain significance. Review status: criteria provided, multiple submitters, no conflicts (2 of 4 stars). 2 submissions from 2 submitters: Uncertain significance (2). Last evaluated 2025-02-01.

Conditions:
Infantile spasms. Also called: Infantile spasm. Identifiers: MedGen C3887898, HP:0012469.

Allele frequency attached by ClinVar (database versions not stated): ExAC 0.00002; gnomAD exomes 0.00003.
gnomAD v4.1: 45 of 1,614,182 alleles (0.0028%); highest among the groups gnomAD compares: Non-Finnish European, 0.0037%; no homozygotes.

Submissions (2):

Ambry Genetics
Classification: Uncertain significance. Last evaluated: 2025-02-01. Review status: criteria provided, single submitter. Criteria: Ambry Variant Classification Scheme 2023. Collection method: clinical testing. Allele origin: germline.

Labcorp Genetics (formerly Invitae), Labcorp
Classification: Uncertain significance for Infantile spasms. Last evaluated: 2023-07-15. Review status: criteria provided, single submitter. Criteria: Invitae Variant Classification Sherloc (09022015). Collection method: clinical testing. Allele origin: germline.
Comment: This sequence change replaces serine, which is neutral and polar, with alanine, which is neutral and non-polar, at codon 250 of the PIK3AP1 protein (p.Ser250Ala). This variant is present in population databases (rs776605514, gnomAD 0.004%). In summary, the available evidence is currently insufficient to determine the role of this variant in disease. Therefore, it has been classified as a Variant of Uncertain Significance. An algorithm developed to predict the effect of missense changes on protein structure and function (PolyPhen-2) suggests that this variant is likely to be disruptive. ClinVar contains an entry for this variant (Variation ID: 2198546). This variant has not been reported in the literature in individuals affected with PIK3AP1-related conditions.